The following is an entry in ClinVar:

ClinVar aggregate classification (germline): Uncertain significance (1 of 4 stars; one submission).

Conditions:
Neuropathy, hereditary sensory, type 2C. Also called: KIF1A-Related HSAN2 (HSAN2C); Hereditary sensory and autonomic neuropathy type IIC. Identifiers: Orphanet 970, MedGen C3280168, MONDO:0013634, OMIM 614213.
Hereditary spastic paraplegia 30. Identifiers: Orphanet 101010, MedGen C5235139, MONDO:0012476.
Intellectual disability, autosomal dominant 9 (NESCAVS). Also called: KIF1A-Related Neurodevelopmental Disorder; NESCAV SYNDROME. Identifiers: Orphanet 662367, MedGen C5393830, MONDO:0013656, OMIM 614255.

Submission:

Labcorp Genetics (formerly Invitae), Labcorp
Classification: Uncertain significance for Hereditary spastic paraplegia 30; Neuropathy, hereditary sensory, type 2C; Intellectual disability, autosomal dominant 9. Last evaluated: 2024-05-21. Review status: criteria provided, single submitter. Criteria: Invitae Variant Classification Sherloc (09022015). Collection method: clinical testing. Allele origin: germline.
Comment: This sequence change replaces lysine, which is basic and polar, with asparagine, which is neutral and polar, at codon 1659 of the KIF1A protein (p.Lys1659Asn). This variant is not present in population databases (gnomAD no frequency). This variant has not been reported in the literature in individuals affected with KIF1A-related conditions. Advanced modeling of protein sequence and biophysical properties (such as structural, functional, and spatial information, amino acid conservation, physicochemical variation, residue mobility, and thermodynamic stability) performed at Invitae indicates that this missense variant is not expected to disrupt KIF1A protein function with a negative predictive value of 95%. In summary, the available evidence is currently insufficient to determine the role of this variant in disease. Therefore, it has been classified as a Variant of Uncertain Significance.

NM_001244008.2(KIF1A):c.5280G>T (p.Lys1760Asn)

Gene: KIF1A (kinesin family member 1A; minus strand). Cytogenetic location: 2q37.3.
Variant type: single nucleotide variant.
Coding change: c.5280G>T on transcript NM_001244008.2 (MANE Select); coding-DNA position 5280, G replaced by T.
Protein change: p.Lys1760Asn; replaces lysine 1760 with asparagine.
Molecular consequence: missense variant.
Genome position (GRCh38, 1-based): chr2:240,718,103, C>A on the plus strand (G>T on the coding strand, the complement: KIF1A is on the minus strand). VCF-style: chr2-240718103-C-A. GRCh37 (hg19) VCF-style: chr2-241657520-C-A.
Other names: c.5004G>T, p.Lys1668Asn (NM_001320705.2, NM_001379649.1); c.5031G>T, p.Lys1677Asn (NM_001330289.2); c.5079G>T, p.Lys1693Asn (NM_001330290.2, NM_001379648.1); c.5355G>T, p.Lys1785Asn (NM_001379631.1); c.5256G>T, p.Lys1752Asn (NM_001379632.1); c.5253G>T, p.Lys1751Asn (NM_001379633.1, NM_001379645.1); c.5106G>T, p.Lys1702Asn (NM_001379634.1); c.5103G>T, p.Lys1701Asn (NM_001379635.1, NM_001379646.1); and 8 more; short protein forms K1647N, K1658N, K1659N, K1667N, K1668N, K1676N, K1677N, K1684N.
Identifiers: ClinVar variation 3753687 (VCV003753687.2).
Genomic context (GRCh38, chr2:240,718,103, plus strand): 5'-GCCCTACCGTATGGTCCCGGCCAGGAGGGGGTTGAAGGCGTACAGCCAGTCATGCATGTC[C>A]TTGTCGCTGGCGGCCTGCAGCAGGATGCCGCGGTGTTCCGTGCACACCGCGAATGTGTTG-3'
Protein context (NP_001230937.1, residues 1750-1770): RGILLQAASD[Lys1760Asn]DMHDWLYAFN